The following is an entry in ClinVar:

ClinVar aggregate classification (germline): Uncertain significance (1 of 4 stars; one submission).

Allele frequency attached by ClinVar (database versions not stated): gnomAD 0.00007.
gnomAD v4.1: 200 of 1,613,090 alleles (0.012%); highest among the groups gnomAD compares: Non-Finnish European, 0.016%; no homozygotes.

Submission:

Labcorp Genetics (formerly Invitae), Labcorp
Classification: Uncertain significance. Last evaluated: 2026-01-04. Review status: criteria provided, single submitter. Criteria: Invitae Variant Classification Sherloc (09022015). Collection method: clinical testing. Allele origin: germline.
Comment: This sequence change replaces arginine, which is basic and polar, with tryptophan, which is neutral and slightly polar, at codon 1049 of the GUCY2C protein (p.Arg1049Trp). This variant is present in population databases (rs140551603, gnomAD 0.01%). This variant has not been reported in the literature in individuals affected with GUCY2C-related conditions. ClinVar contains an entry for this variant (Variation ID: 1520722). An algorithm developed to predict the effect of missense changes on protein structure and function (PolyPhen-2) suggests that this variant is likely to be disruptive. In summary, the available evidence is currently insufficient to determine the role of this variant in disease. Therefore, it has been classified as a Variant of Uncertain Significance.

NM_004963.4(GUCY2C):c.3145C>T (p.Arg1049Trp)

Genes: GUCY2C (guanylate cyclase 2C; minus strand), PLBD1-AS1 (PLBD1 antisense RNA 1; plus strand). Cytogenetic location: 12p12.3.
Variant type: single nucleotide variant.
Coding change: c.3145C>T on transcript NM_004963.4 (MANE Select); coding-DNA position 3145, C replaced by T.
Protein change: p.Arg1049Trp; replaces arginine 1049 with tryptophan.
Molecular consequence: missense variant.
Genome position (GRCh38, 1-based): chr12:14,613,194, G>A on the plus strand (C>T on the coding strand, the complement: GUCY2C is on the minus strand). VCF-style: chr12-14613194-G-A. GRCh37 (hg19) VCF-style: chr12-14766128-G-A.
Other names: short protein forms R1049W.
Identifiers: ClinVar variation 1520722 (VCV001520722.8), dbSNP rs140551603, ClinGen allele CA6462863.